The following is an entry in ClinVar:

ClinVar aggregate classification (germline): Benign/Likely benign. Review status: criteria provided, multiple submitters, no conflicts (2 of 4 stars). 5 submissions from 5 submitters: Benign (1); Likely benign (2). 2 of the submissions do not count toward it. Last evaluated 2026-01-18.

Conditions:
PEX1-related disorder. Also called: PEX1-related condition.
Zellweger spectrum disorders (ZS). Also called: Zellweger Spectrum Disorder; Zellweger Spectrum; Zellweger Spectrum Disorder (ZSD); Zellweger syndrome. Identifiers: Orphanet 912, MedGen C0043459, MONDO:0019609.

Allele frequency attached by ClinVar (database versions not stated): ESP Exome Variant Server 0.00015; TOPMed 0.00015; 1000 Genomes Project 30x 0.00031; 1000 Genomes Project 0.00040; gnomAD exomes 0.00043 and 0.00094; gnomAD 0.00055 and 0.00057; ExAC 0.00094.
gnomAD v4.1: 713 of 1,613,688 alleles (0.044%); highest among the groups gnomAD compares: Non-Finnish European, 0.027%; 5 homozygotes.

Submissions (5):

Labcorp Genetics (formerly Invitae), Labcorp
Classification: Benign for Zellweger spectrum disorders. Last evaluated: 2026-01-18. Review status: criteria provided, single submitter. Criteria: Invitae Variant Classification Sherloc (09022015). Collection method: clinical testing. Allele origin: germline.

Blueprint Genetics
Classification: Likely benign. Last evaluated: 2024-11-21. Review status: criteria provided, single submitter. Criteria: ACMG Guidelines, 2015. Collection method: clinical testing. Allele origin: germline.

Women's Health and Genetics/Laboratory Corporation of America, LabCorp
Classification: Likely benign. Last evaluated: 2020-08-17. Review status: criteria provided, single submitter. Criteria: LabCorp Variant Classification Summary - May 2015. Collection method: clinical testing. Allele origin: germline.
Comment: Variant summary: PEX1 c.1085C>T (p.Ser362Leu) results in a non-conservative amino acid change in the encoded protein sequence. Four of five in-silico tools predict a benign effect of the variant on protein function. The variant allele was found at a frequency of 0.00092 in 282642 control chromosomes, predominantly at a frequency of 0.0069 within the Finnish European subpopulation in the gnomAD database, including 2 homozygotes. The observed variant frequency within the Finnish European control individuals in the gnomAD database is approximately 1.8-fold of the estimated maximal expected allele frequency for a pathogenic variant in PEX1 causing Zellweger Syndrome phenotype (0.0039), strongly suggesting that the variant is a benign polymorphism. To our knowledge, no occurrence of c.1085C>T in individuals affected with Zellweger Syndrome and no experimental evidence demonstrating its impact on protein function have been reported. One clinical diagnostic laboratory has submitted clinical-significance assessments for this variant to ClinVar after 2014 without evidence for independent evaluation, and classified the variant as benign. Based on the evidence outlined above, the variant was classified as likely benign.

PreventionGenetics, part of Exact Sciences
Classification: Likely benign for PEX1-related condition. Last evaluated: 2020-03-03. Review status: no assertion criteria provided. Collection method: clinical testing. Allele origin: germline. Not counted in ClinVar's aggregate classification.
Comment: This variant is classified as likely benign based on ACMG/AMP sequence variant interpretation guidelines (Richards et al. 2015 PMID: 25741868, with internal and published modifications).

Natera, Inc.
Classification: Likely benign for Zellweger syndrome. Last evaluated: 2018-06-19. Review status: no assertion criteria provided. Collection method: clinical testing. Allele origin: germline. Not counted in ClinVar's aggregate classification.

NM_000466.3(PEX1):c.1085C>T (p.Ser362Leu)

Gene: PEX1 (peroxisomal biogenesis factor 1; minus strand). Cytogenetic location: 7q21.2.
Variant type: single nucleotide variant.
Coding change: c.1085C>T on transcript NM_000466.3 (MANE Select); coding-DNA position 1085, C replaced by T.
Protein change: p.Ser362Leu; replaces serine 362 with leucine.
Molecular consequence: missense variant.
Genome position (GRCh38, 1-based): chr7:92,517,430, G>A on the plus strand (C>T on the coding strand, the complement: PEX1 is on the minus strand). VCF-style: chr7-92517430-G-A. GRCh37 (hg19) VCF-style: chr7-92146744-G-A.
Other names: c.1085C>T, p.Ser362Leu (NM_001282677.2); c.461C>T, p.Ser154Leu (NM_001282678.2); short protein forms S362L, S154L.
Identifiers: ClinVar variation 763777 (VCV000763777.19), dbSNP rs138758170, ClinGen allele CA4341494.